The following is an entry in ClinVar:

NM_006206.6(PDGFRA):c.1238-9C>T

Gene: PDGFRA (platelet derived growth factor receptor alpha; plus strand). Cytogenetic location: 4q12.
Variant type: single nucleotide variant.
Coding change: c.1238-9C>T on transcript NM_006206.6 (MANE Select); 9 bases into the intron before coding-DNA position 1238, C replaced by T.
Molecular consequence: intron variant.
Genome position (GRCh38, 1-based): chr4:54,272,385, C>T. VCF-style: chr4-54272385-C-T. GRCh37 (hg19) VCF-style: chr4-55138552-C-T.
Other names: c.1313-9C>T (NM_001347828.2); c.1238-9C>T (NM_001347827.2, NM_001347829.2); c.1277-9C>T (NM_001347830.2).
Identifiers: ClinVar variation 1136178 (VCV001136178.10), dbSNP rs2110286634, ClinGen allele CA2499217239.

ClinVar aggregate classification (germline): Likely benign. Review status: criteria provided, multiple submitters, no conflicts (2 of 4 stars). 2 submissions from 2 submitters: Likely benign (2). Last evaluated 2026-06-12.

Conditions:
Polyps, multiple and recurrent inflammatory fibroid, gastrointestinal. Identifiers: MedGen C5193005, MONDO:0008285, OMIM 175510.
Gastrointestinal stromal tumor. Also called: Gastrointestinal stroma tumor; Gastrointestinal stromal tumor, somatic. Identifiers: Orphanet 44890, MedGen C0238198, MeSH D046152, MONDO:0011719, OMIM 606764, HP:0100723.

Submissions (2):

Myriad Genetics, Inc.
Classification: Likely benign for Polyps, multiple and recurrent inflammatory fibroid, gastrointestinal. Last evaluated: 2026-06-12. Review status: criteria provided, single submitter. Criteria: Myriad Autosomal Dominant, Autosomal Recessive and X-Linked Classification Criteria (2023). Collection method: clinical testing. Allele origin: unknown.
Comment: This variant is considered likely benign. This variant is intronic and is not expected to impact mRNA splicing.

Labcorp Genetics (formerly Invitae), Labcorp
Classification: Likely benign for Gastrointestinal stromal tumor. Last evaluated: 2025-10-29. Review status: criteria provided, single submitter. Criteria: Invitae Variant Classification Sherloc (09022015). Collection method: clinical testing. Allele origin: germline.